The following is an entry in ClinVar:

NM_000301.5(PLG):c.884C>T (p.Thr295Ile)

Gene: PLG (plasminogen; plus strand). Cytogenetic location: 6q26.
Variant type: single nucleotide variant.
Coding change: c.884C>T on transcript NM_000301.5 (MANE Select); coding-DNA position 884, C replaced by T.
Protein change: p.Thr295Ile; replaces threonine 295 with isoleucine.
Molecular consequence: missense variant.
Genome position (GRCh38, 1-based): chr6:160,718,390, C>T. VCF-style: chr6-160718390-C-T. GRCh37 (hg19) VCF-style: chr6-161139422-C-T.
Other names: short protein forms T295I.
Identifiers: ClinVar variation 3593316 (VCV003593316.3).

ClinVar aggregate classification (germline): Uncertain significance. Review status: criteria provided, multiple submitters, no conflicts (2 of 4 stars). 2 submissions from 2 submitters: Uncertain significance (2). Last evaluated 2025-01-13.

Conditions:
Angioedema, hereditary, 4. Identifiers: MedGen C5543503, MONDO:0025712, OMIM 619360.
Plasminogen deficiency, type I. Also called: Type 1 plasminogen deficiency; Hypoplasminogenemia. Identifiers: Orphanet 722, MedGen C1968804, MONDO:0009009, OMIM 217090.

gnomAD v4.1: 5 of 1,613,674 alleles (0.00031%); highest among the groups gnomAD compares: South Asian, 0.0011%; no homozygotes.

Submissions (2):

Labcorp Genetics (formerly Invitae), Labcorp
Classification: Uncertain significance. Last evaluated: 2025-01-13. Review status: criteria provided, single submitter. Criteria: Invitae Variant Classification Sherloc (09022015). Collection method: clinical testing. Allele origin: germline.
Comment: This sequence change replaces threonine, which is neutral and polar, with isoleucine, which is neutral and non-polar, at codon 295 of the PLG protein (p.Thr295Ile). This variant is present in population databases (rs760457084, gnomAD 0.003%). This variant has not been reported in the literature in individuals affected with PLG-related conditions. Invitae Evidence Modeling of protein sequence and biophysical properties (such as structural, functional, and spatial information, amino acid conservation, physicochemical variation, residue mobility, and thermodynamic stability) indicates that this missense variant is not expected to disrupt PLG protein function with a negative predictive value of 80%. In summary, the available evidence is currently insufficient to determine the role of this variant in disease. Therefore, it has been classified as a Variant of Uncertain Significance.

Fulgent Genetics
Classification: Uncertain significance for Plasminogen deficiency, type I; Angioedema, hereditary, 4. Last evaluated: 2024-03-04. Review status: criteria provided, single submitter. Criteria: ACMG Guidelines, 2015. Collection method: clinical testing. Allele origin: germline.